The following is an entry in ClinVar:

ClinVar aggregate classification (germline): Uncertain significance (1 of 4 stars; one submission).

Conditions:
Hearing loss, autosomal dominant 82. Also called: Deafness, autosomal dominant 82. Identifiers: MedGen C5676948, MONDO:0030719, OMIM 619804.

Submission:

Laboratory of Prof. Karen Avraham, Tel Aviv University
Classification: Uncertain significance for Hearing loss, autosomal dominant 82. Last evaluated: 2024-12-15. Review status: criteria provided, single submitter. Criteria: ACMG Guidelines, 2015. Collection method: research. Allele origin: germline. Affected: yes. Observed: 1 variant allele.
Comment: The ATP2B2 c.1129A>C:p.(Thr377Pro) heterozygous variant is predicted deleterious by most prediction tools and it is not found in gnomAD.

NM_001001331.4(ATP2B2):c.1129A>C (p.Ser377Arg)

Gene: ATP2B2 (ATPase plasma membrane Ca2+ transporting 2; minus strand). Cytogenetic location: 3p25.3.
Variant type: single nucleotide variant.
Coding change: c.1129A>C on transcript NM_001001331.4 (MANE Select); coding-DNA position 1129, A replaced by C.
Protein change: p.Ser377Arg; replaces serine 377 with arginine.
Molecular consequence: missense variant.
Genome position (GRCh38, 1-based): chr3:10,378,324, T>G on the plus strand (A>C on the coding strand, the complement: ATP2B2 is on the minus strand). VCF-style: chr3-10378324-T-G. GRCh37 (hg19) VCF-style: chr3-10420008-T-G.
Other names: DFNA82; c.994A>C, p.Ser332Arg (NM_001330611.3, NM_001353564.1, NM_001363862.1 and 1 more transcripts); short protein forms S332R, S377R.
Identifiers: ClinVar variation 3393386 (VCV003393386.1).